The following is an entry in ClinVar:

NM_001372044.2(SHANK3):c.2210T>G (p.Val737Gly)

Gene: SHANK3 (SH3 and multiple ankyrin repeat domains 3; plus strand). Cytogenetic location: 22q13.33.
Variant type: single nucleotide variant.
Coding change: c.2210T>G on transcript NM_001372044.2 (MANE Select); coding-DNA position 2210, T replaced by G.
Protein change: p.Val737Gly; replaces valine 737 with glycine.
Molecular consequence: missense variant.
Genome position (GRCh38, 1-based): chr22:50,705,052, T>G. VCF-style: chr22-50705052-T-G. GRCh37 (hg19) VCF-style: chr22-51143480-T-G.
Other names: c.1985T>G (NM_033517.1); short protein forms V737G.
Identifiers: ClinVar variation 3602295 (VCV003602295.1).

ClinVar aggregate classification (germline): Uncertain significance (1 of 4 stars; one submission).

Submission:

GeneDx
Classification: Uncertain significance. Last evaluated: 2024-07-22. Review status: criteria provided, single submitter. Criteria: GeneDx Variant Classification Process June 2021. Collection method: clinical testing. Allele origin: germline. Affected: yes.
Comment: Not observed at significant frequency in large population cohorts (gnomAD); In silico analysis supports that this missense variant has a deleterious effect on protein structure/function; Has not been previously published as pathogenic or benign to our knowledge